The following is an entry in ClinVar:

ClinVar aggregate classification (germline): Uncertain significance (1 of 4 stars; one submission).

Conditions:
Catecholaminergic polymorphic ventricular tachycardia 1. Also called: RYR2-Related Catecholaminergic Polymorphic Ventricular Tachycardia; VENTRICULAR TACHYCARDIA, CATECHOLAMINERGIC POLYMORPHIC, 1, WITH OR WITHOUT ATRIAL DYSFUNCTION AND/OR DILATED CARDIOMYOPATHY; VENTRICULAR TACHYCARDIA, STRESS-INDUCED POLYMORPHIC 1. Identifiers: Orphanet 3286, MedGen C1631597, MONDO:0011484, OMIM 604772.

Submission:

Labcorp Genetics (formerly Invitae), Labcorp
Classification: Uncertain significance for Catecholaminergic polymorphic ventricular tachycardia 1. Last evaluated: 2024-02-29. Review status: criteria provided, single submitter. Criteria: Invitae Variant Classification Sherloc (09022015). Collection method: clinical testing. Allele origin: germline.
Comment: This sequence change creates a premature translational stop signal (p.Trp3890*) in the RYR2 gene. It is expected to result in an absent or disrupted protein product. However, the current clinical and genetic evidence is not sufficient to establish whether loss-of-function variants in RYR2 cause disease. This variant is not present in population databases (gnomAD no frequency). This variant has not been reported in the literature in individuals affected with RYR2-related conditions. In summary, the available evidence is currently insufficient to determine the role of this variant in disease. Therefore, it has been classified as a Variant of Uncertain Significance.

NM_001035.3(RYR2):c.11670G>A (p.Trp3890Ter)

Gene: RYR2 (ryanodine receptor 2; plus strand). Cytogenetic location: 1q43.
Variant type: single nucleotide variant.
Coding change: c.11670G>A on transcript NM_001035.3 (MANE Select); coding-DNA position 11670, G replaced by A.
Protein change: p.Trp3890Ter; replaces tryptophan 3890 with a stop codon.
Molecular consequence: nonsense.
Genome position (GRCh38, 1-based): chr1:237,773,543, G>A. VCF-style: chr1-237773543-G-A. GRCh37 (hg19) VCF-style: chr1-237936843-G-A.
Other names: short protein forms W3890*.
Identifiers: ClinVar variation 3643686 (VCV003643686.2).
Genomic context (GRCh38, chr1:237,773,543, plus strand): 5'-TGACTTGATAATAAATAATATCATCTCTATTTCCCAGGAATCAATTAGTGACTTTTATTG[G>A]TATTACTCTGGGAAAGATGTTATTGATGAACAAGGACAACGGAATTTCTCCAAAGCTATC-3'